The following is an entry in ClinVar:

NM_020166.5(MCCC1):c.730A>G (p.Met244Val)

Gene: MCCC1 (methylcrotonyl-CoA carboxylase subunit 1; minus strand). Cytogenetic location: 3q27.1.
Variant type: single nucleotide variant.
Coding change: c.730A>G on transcript NM_020166.5 (MANE Select); coding-DNA position 730, A replaced by G.
Protein change: p.Met244Val; replaces methionine 244 with valine.
Molecular consequence: missense variant. On other transcripts: non-coding transcript variant (2).
Genome position (GRCh38, 1-based): chr3:183,071,030, T>C on the plus strand (A>G on the coding strand, the complement: MCCC1 is on the minus strand). VCF-style: chr3-183071030-T-C. GRCh37 (hg19) VCF-style: chr3-182788818-T-C.
Other names: c.379A>G, p.Met127Val (NM_001293273.2); c.403A>G, p.Met135Val (NM_001363880.1); short protein forms M244V, M127V, M135V.
Identifiers: ClinVar variation 841565 (VCV000841565.5), dbSNP rs369227006, ClinGen allele CA88716992.
Genomic context (GRCh38, chr3:183,071,030, plus strand): 5'-TCTGAGTCAGAAAAATAAGGCCAACCCACCTCGGTGTGTCTACAAACTTCTCGATCAGCA[T>C]AGCATCATCATTGAAAGACTTCTTAGCTTCTCTCCGTGCTGACTCTAACTGTTCTTGAAA-3'
Protein context (NP_064551.3, residues 234-254): EAKKSFNDDA[Met244Val]LIEKFVDTPR

ClinVar aggregate classification (germline): Uncertain significance. Review status: criteria provided, single submitter (1 of 4 stars). 2 submissions from 2 submitters: Uncertain significance (1). 1 of the submissions does not count toward it. Last evaluated 2020-01-05.

Conditions:
3-methylcrotonyl-CoA carboxylase 1 deficiency (MCC1D). Also called: MCCD TYPE 1; METHYLCROTONYLGLYCINURIA TYPE I; MCC 1 deficiency; 3 Alpha methylcrotonylglycinuria 1. Identifiers: Orphanet 6, MedGen CN028786, MONDO:0008861, OMIM 210200.

Allele frequency attached by ClinVar (database versions not stated): gnomAD exomes below 0.00001; TOPMed below 0.00001; ESP Exome Variant Server 0.00008.
gnomAD v4.1: 2 of 1,614,212 alleles (0.00012%); highest among the groups gnomAD compares: Admixed American, 0.0033%; no homozygotes.

Submissions (2):

Labcorp Genetics (formerly Invitae), Labcorp
Classification: Uncertain significance for 3 Methylcrotonyl-CoA carboxylase 1 deficiency. Last evaluated: 2020-01-05. Review status: criteria provided, single submitter. Criteria: Invitae Variant Classification Sherloc (09022015). Collection method: clinical testing. Allele origin: germline.
Comment: This sequence change replaces methionine with valine at codon 244 of the MCCC1 protein (p.Met244Val). The methionine residue is highly conserved and there is a small physicochemical difference between methionine and valine. This variant is not present in population databases (ExAC no frequency). This variant has not been reported in the literature in individuals with MCCC1-related conditions. Algorithms developed to predict the effect of missense changes on protein structure and function output the following: SIFT: "Tolerated"; PolyPhen-2: "Benign"; Align-GVGD: "Class C0". The valine amino acid residue is found in multiple mammalian species, suggesting that this missense change does not adversely affect protein function. These predictions have not been confirmed by published functional studies and their clinical significance is uncertain. In summary, the available evidence is currently insufficient to determine the role of this variant in disease. Therefore, it has been classified as a Variant of Uncertain Significance.

Natera, Inc.
Classification: Uncertain significance for 3-methylcrotonyl-CoA carboxylase 1 deficiency. Last evaluated: 2020-09-10. Review status: no assertion criteria provided. Collection method: clinical testing. Allele origin: germline. Not counted in ClinVar's aggregate classification.